The following is an entry in ClinVar:

ClinVar aggregate classification (germline): Likely pathogenic (1 of 4 stars; one submission).

Conditions:
Childhood apraxia of speech (SPCH1). Also called: DEVELOPMENTAL VERBAL DYSPRAXIA; SPEECH AND LANGUAGE DISORDER WITH OROFACIAL DYSPRAXIA; FOXP2-Related Speech and Language Disorder; Speech language disorder. Identifiers: Orphanet 209908, MedGen C0750927, MONDO:0011184, OMIM 602081.

gnomAD v4.1: 1 of 1,613,210 alleles (0.000062%); no homozygotes.

Submission:

Greenwood Genetic Center Diagnostic Laboratories, Greenwood Genetic Center
Classification: Likely pathogenic for Childhood apraxia of speech. Last evaluated: 2024-05-30. Review status: criteria provided, single submitter. Criteria: ACMG Guidelines, 2015. Collection method: clinical testing. Allele origin: germline. Affected: yes.
Comment: PVS1, PM2

NM_014491.4(FOXP2):c.1234C>T (p.Arg412Ter)

Gene: FOXP2 (forkhead box P2; plus strand). Cytogenetic location: 7q31.1.
Variant type: single nucleotide variant.
Coding change: c.1234C>T on transcript NM_014491.4 (MANE Select); coding-DNA position 1234, C replaced by T.
Protein change: p.Arg412Ter; replaces arginine 412 with a stop codon.
Molecular consequence: nonsense. On other transcripts: non-coding transcript variant (2).
Genome position (GRCh38, 1-based): chr7:114,653,977, C>T. VCF-style: chr7-114653977-C-T. GRCh37 (hg19) VCF-style: chr7-114294032-C-T.
Other names: c.1231C>T, p.Arg411Ter (NM_001172766.3); c.1309C>T, p.Arg437Ter (NM_001172767.2, NM_148898.4); c.1234C>T, p.Arg412Ter (NM_148899.3); c.1285C>T, p.Arg429Ter (NM_148900.4); short protein forms R411*, R412*, R429*, R437*.
Identifiers: ClinVar variation 3338535 (VCV003338535.1).